The following is an entry in ClinVar:

NM_001961.4(EEF2):c.1891C>T (p.Arg631Trp)

Gene: EEF2 (eukaryotic translation elongation factor 2; minus strand). Cytogenetic location: 19p13.3.
Variant type: single nucleotide variant.
Coding change: c.1891C>T on transcript NM_001961.4 (MANE Select); coding-DNA position 1891, C replaced by T.
Protein change: p.Arg631Trp; replaces arginine 631 with tryptophan.
Molecular consequence: missense variant.
Genome position (GRCh38, 1-based): chr19:3,977,995, G>A on the plus strand (C>T on the coding strand, the complement: EEF2 is on the minus strand). VCF-style: chr19-3977995-G-A. GRCh37 (hg19) VCF-style: chr19-3977993-G-A.
Other names: short protein forms R631W.
Identifiers: ClinVar variation 3906556 (VCV003906556.2).

ClinVar aggregate classification (germline): Uncertain significance (1 of 4 stars; one submission).

gnomAD v4.1: 1 of 1,612,250 alleles (0.000062%); highest among the groups gnomAD compares: Non-Finnish European, 0.000085%; no homozygotes.

Submission:

GeneDx
Classification: Uncertain significance. Last evaluated: 2026-01-16. Review status: criteria provided, single submitter. Criteria: GeneDx Variant Classification Process June 2021. Collection method: clinical testing. Allele origin: germline.
Comment: Not observed at significant frequency in large population cohorts (gnomAD); In silico analysis supports that this missense variant has a deleterious effect on protein structure/function; Has not been previously published as pathogenic or benign to our knowledge